The following is an entry in ClinVar:

NM_007254.4(PNKP):c.1032G>A (p.Arg344=)

Gene: PNKP (polynucleotide kinase 3'-phosphatase; minus strand). Cytogenetic location: 19q13.33.
Variant type: single nucleotide variant.
Coding change: c.1032G>A on transcript NM_007254.4 (MANE Select); coding-DNA position 1032, G replaced by A.
Protein change: p.Arg344=; no amino-acid change (arginine 344 retained).
Molecular consequence: synonymous variant.
Genome position (GRCh38, 1-based): chr19:49,862,279, C>T on the plus strand (G>A on the coding strand, the complement: PNKP is on the minus strand). VCF-style: chr19-49862279-C-T. GRCh37 (hg19) VCF-style: chr19-50365536-C-T.
Other names: p.R344R:AGG>AGA; p.Arg344=.
Identifiers: ClinVar variation 138718 (VCV000138718.36), dbSNP rs185452809, ClinGen allele CA173305.
Genomic context (GRCh38, chr19:49,862,279, plus strand): 5'-GCTGGCGCTCAGGAGGGCCCTGGACTCGGGGAGGCAGAGAGGCCCTGAGCGGGAGACAGT[C>T]CTCTGCGAGGGGCGGGGGACACGCGTGAGATGCCGTCCCCATCCCCGGGAGCCCTCCCAT-3'
Protein context (NP_009185.2, residues 334-354): AGFELPAFDP[Arg344=]TVSRSGPLCL

ClinVar aggregate classification (germline): Benign/Likely benign. Review status: criteria provided, multiple submitters, no conflicts (2 of 4 stars). 10 submissions from 10 submitters: Benign (3); Likely benign (6). 1 of the submissions does not count toward it. Last evaluated 2026-01-30.

Conditions:
Inborn genetic diseases. Identifiers: MedGen C0950123, MeSH D030342.
Developmental and epileptic encephalopathy, 12 (DEE12). Identifiers: MedGen C3150988, MONDO:0013389, OMIM 613722.

Allele frequency attached by ClinVar (database versions not stated): gnomAD exomes 0.00108; ExAC 0.00221; gnomAD 0.00400 and 0.00406; TOPMed 0.00425; 1000 Genomes Project 0.00579; ESP Exome Variant Server 0.00579; 1000 Genomes Project 30x 0.00593.
gnomAD v4.1: 1,204 of 1,593,320 alleles (0.076%); highest among the groups gnomAD compares: African/African-American, 1.4%; 5 homozygotes.

Submissions (10):

Labcorp Genetics (formerly Invitae), Labcorp
Classification: Benign for Developmental and epileptic encephalopathy, 12. Last evaluated: 2026-01-30. Review status: criteria provided, single submitter. Criteria: Invitae Variant Classification Sherloc (09022015). Collection method: clinical testing. Allele origin: germline.

Mayo Clinic Laboratories, Mayo Clinic
Classification: Likely benign. Last evaluated: 2025-06-05. Review status: criteria provided, single submitter. Criteria: ACMG Guidelines, 2015. Collection method: clinical testing. Allele origin: germline. Observed: 6 variant alleles.
Comment: BS1, BP4, BP7

CeGaT Center for Human Genetics Tuebingen
Classification: Likely benign. Last evaluated: 2025-06-01. Review status: criteria provided, single submitter. Criteria: CeGaT Center For Human Genetics Tuebingen Variant Classification Criteria Version 2. Collection method: clinical testing. Allele origin: germline. Affected: yes. Observed: 1 variant allele.
Comment: PNKP: BP4, BP7, BS1

ARUP Laboratories, Molecular Genetics and Genomics, ARUP Laboratories
Classification: Likely benign. Last evaluated: 2025-03-13. Review status: criteria provided, single submitter. Criteria: ARUP Molecular Germline Variant Investigation Process 2024. Collection method: clinical testing. Allele origin: germline.

Blueprint Genetics
Classification: Likely benign. Last evaluated: 2024-08-05. Review status: criteria provided, single submitter. Criteria: ACMG Guidelines, 2015. Collection method: clinical testing. Allele origin: germline.

Ambry Genetics
Classification: Likely benign for Inborn genetic diseases. Last evaluated: 2016-03-18. Review status: criteria provided, single submitter. Criteria: Ambry Variant Classification Scheme 2023. Collection method: clinical testing. Allele origin: germline.

Eurofins Ntd Llc (ga)
Classification: Benign. Last evaluated: 2015-10-06. Review status: criteria provided, single submitter. Criteria: EGL Classification Definitions 2015. Collection method: clinical testing. Allele origin: germline. Observed: 1 variant allele, 1 heterozygote.

GeneDx
Classification: Benign. Last evaluated: 2013-10-02. Review status: criteria provided, single submitter. Criteria: GeneDx Variant Classification (06012015). Collection method: clinical testing. Allele origin: germline. Affected: yes.
Comment: This variant is considered likely benign or benign based on one or more of the following criteria: it is a conservative change, it occurs at a poorly conserved position in the protein, it is predicted to be benign by multiple in silico algorithms, and/or has population frequency not consistent with disease.

Breakthrough Genomics
Classification: Likely benign. Review status: criteria provided, single submitter. Criteria: ACMG Guidelines, 2015. Collection method: not provided. Allele origin: germline. Inheritance: Autosomal recessive inheritance. Affected: yes.

Genetic Services Laboratory, University of Chicago
Classification: Likely benign. Review status: no assertion criteria provided. Collection method: clinical testing. Allele origin: germline. Inheritance: Autosomal recessive inheritance. Not counted in ClinVar's aggregate classification.
Comment: Likely benign based on allele frequency in 1000 Genomes Project or ESP global frequency and its presence in a patient with a rare or unrelated disease phenotype. NOT Sanger confirmed